The following is an entry in ClinVar:

ClinVar aggregate classification (germline): Uncertain significance (1 of 4 stars; one submission).

Conditions:
Inborn genetic diseases. Identifiers: MedGen C0950123, MeSH D030342.

Submission:

Ambry Genetics
Classification: Uncertain significance for Inborn genetic diseases. Last evaluated: 2017-09-21. Review status: criteria provided, single submitter. Criteria: Ambry Variant Classification Scheme 2023. Collection method: clinical testing. Allele origin: germline.
Comment: The p.G428E variant (also known as c.1283G>A), located in coding exon 6 of the KAT6A gene, results from a G to A substitution at nucleotide position 1283. The glycine at codon 428 is replaced by glutamic acid, an amino acid with similar properties. This amino acid position is not well conserved in available vertebrate species. In addition, the in silico prediction for this alteration is inconclusive. Since supporting evidence is limited at this time, the clinical significance of this alteration remains unclear.

NM_006766.5(KAT6A):c.1283G>A (p.Gly428Glu)

Gene: KAT6A (lysine acetyltransferase 6A; minus strand). Cytogenetic location: 8p11.21.
Variant type: single nucleotide variant.
Coding change: c.1283G>A on transcript NM_006766.5 (MANE Select); coding-DNA position 1283, G replaced by A.
Protein change: p.Gly428Glu; replaces glycine 428 with glutamic acid.
Molecular consequence: missense variant.
Genome position (GRCh38, 1-based): chr8:41,977,088, C>T on the plus strand (G>A on the coding strand, the complement: KAT6A is on the minus strand). VCF-style: chr8-41977088-C-T. GRCh37 (hg19) VCF-style: chr8-41834606-C-T.
Other names: c.1283G>A, p.Gly428Glu (NM_001305878.2); short protein forms G428E.
Identifiers: ClinVar variation 1768478 (VCV001768478.2), dbSNP rs2486806793, ClinGen allele CA371075712.